The following is an entry in ClinVar:

NM_001035.3(RYR2):c.3391G>C (p.Asp1131His)

Gene: RYR2 (ryanodine receptor 2; plus strand). Cytogenetic location: 1q43.
Variant type: single nucleotide variant.
Coding change: c.3391G>C on transcript NM_001035.3 (MANE Select); coding-DNA position 3391, G replaced by C.
Protein change: p.Asp1131His; replaces aspartic acid 1131 with histidine.
Molecular consequence: missense variant.
Genome position (GRCh38, 1-based): chr1:237,566,743, G>C. VCF-style: chr1-237566743-G-C. GRCh37 (hg19) VCF-style: chr1-237730043-G-C.
Other names: c.3391G>C (NM_001035.2); short protein forms D1131H.
Identifiers: ClinVar variation 3069743 (VCV003069743.2), dbSNP rs2546425927, ClinGen allele CA345398817.

ClinVar aggregate classification (germline): Uncertain significance. Review status: criteria provided, multiple submitters, no conflicts (2 of 4 stars). 2 submissions from 2 submitters: Uncertain significance (2). Last evaluated 2026-08-29.

Conditions:
Catecholaminergic polymorphic ventricular tachycardia (CVPT). Also called: Catecholamine-induced polymorphic ventricular tachycardia. Identifiers: Orphanet 3286, MedGen C5574922, MONDO:0017990.
Cardiovascular phenotype. Identifiers: MedGen CN230736.

Submissions (2):

Ambry Genetics
Classification: Uncertain significance for Cardiovascular phenotype. Last evaluated: 2026-08-29. Review status: criteria provided, single submitter. Criteria: Ambry Variant Classification Scheme 2023. Collection method: clinical testing. Allele origin: germline.
Comment: The p.D1131H variant (also known as c.3391G>C), located in coding exon 28 of the RYR2 gene, results from a G to C substitution at nucleotide position 3391. The aspartic acid at codon 1131 is replaced by histidine, an amino acid with similar properties. This amino acid position is conserved. In addition, this alteration is predicted to be deleterious by in silico analysis. Based on the available evidence, the clinical significance of this variant remains unclear.

All of Us Research Program, National Institutes of Health
Classification: Uncertain significance for Catecholaminergic polymorphic ventricular tachycardia. Last evaluated: 2023-03-04. Review status: criteria provided, single submitter. Criteria: ACMG Guidelines, 2015. Collection method: clinical testing. Allele origin: germline. Inheritance: Autosomal dominant inheritance. Observed: 1 variant allele, 1 heterozygote.
Comment: This study involves interpretation of variants in research participants for the purpose of population health screening. Participant phenotype was not available at the time of variant classification. Additional details can be found in publication PMID: 35346344, PMCID: PMC8962531